The following is an entry in ClinVar:

ClinVar aggregate classification (germline): Uncertain significance. Review status: criteria provided, multiple submitters, no conflicts (2 of 4 stars). 3 submissions from 3 submitters: Uncertain significance (3). Last evaluated 2025-09-15.

Conditions:
Spastic paraplegia. Identifiers: MedGen C0037772, HP:0001258.
Inborn genetic diseases. Identifiers: MedGen C0950123, MeSH D030342.

Allele frequency attached by ClinVar (database versions not stated): ExAC 0.00014; gnomAD 0.00014; gnomAD exomes 0.00001; TOPMed 0.00014.
gnomAD v4.1: 32 of 1,521,652 alleles (0.0021%); highest among the groups gnomAD compares: African/African-American, 0.038%; no homozygotes.

Submissions (3):

Labcorp Genetics (formerly Invitae), Labcorp
Classification: Uncertain significance for Spastic paraplegia. Last evaluated: 2025-09-15. Review status: criteria provided, single submitter. Criteria: Invitae Variant Classification Sherloc (09022015). Collection method: clinical testing. Allele origin: germline.
Comment: This sequence change replaces tryptophan, which is neutral and slightly polar, with leucine, which is neutral and non-polar, at codon 2 of the B4GALNT1 protein (p.Trp2Leu). The frequency data for this variant in the population databases is considered unreliable, as metrics indicate poor data quality at this position in the gnomAD database. This variant has not been reported in the literature in individuals affected with B4GALNT1-related conditions. ClinVar contains an entry for this variant (Variation ID: 2179523). Experimental studies and prediction algorithms are not available or were not evaluated, and the functional significance of this variant is currently unknown. In summary, the available evidence is currently insufficient to determine the role of this variant in disease. Therefore, it has been classified as a Variant of Uncertain Significance.

Dasa
Classification: Uncertain significance. Last evaluated: 2025-06-16. Review status: criteria provided, single submitter. Criteria: DASA Assertion Criteria. Collection method: clinical testing. Allele origin: germline.
Comment: NM_001478.5(B4GALNT1):c.5G>T (p.Trp2Leu) is a missense variant that results in the substitution of tryptophan with leucine. This variant is rare in population databases. Computational prediction algorithms are consistent with a benign effect. The currently available literature and clinical evidence are not sufficient to establish a definitive association between this variant and the reported condition. Therefore, this variant is classified as a variant of uncertain significance.

Ambry Genetics
Classification: Uncertain significance for Inborn genetic diseases. Last evaluated: 2024-12-07. Review status: criteria provided, single submitter. Criteria: Ambry Variant Classification Scheme 2023. Collection method: clinical testing. Allele origin: germline.

NM_001478.5(B4GALNT1):c.5G>T (p.Trp2Leu)

Gene: B4GALNT1 (beta-1,4-N-acetyl-galactosaminyltransferase 1; minus strand). Cytogenetic location: 12q13.3.
Variant type: single nucleotide variant.
Coding change: c.5G>T on transcript NM_001478.5 (MANE Select); coding-DNA position 5, G replaced by T.
Protein change: p.Trp2Leu; replaces tryptophan 2 with leucine.
Molecular consequence: missense variant.
Genome position (GRCh38, 1-based): chr12:57,632,128, C>A on the plus strand (G>T on the coding strand, the complement: B4GALNT1 is on the minus strand). VCF-style: chr12-57632128-C-A. GRCh37 (hg19) VCF-style: chr12-58025911-C-A.
Other names: c.5G>T (NM_001478.3); c.5G>T, p.Trp2Leu (NM_001276468.2, NM_001276469.2, NM_001413967.1 and 11 more transcripts); c.-899G>T (NM_001413981.1, NM_001413982.1, NM_001413983.1 and 1 more transcripts); short protein forms W2L.
Identifiers: ClinVar variation 2179523 (VCV002179523.7), dbSNP rs371840992, ClinGen allele CA6655882.